The following is an entry in ClinVar:

NM_005228.5(EGFR):c.59C>T (p.Pro20Leu)

Gene: EGFR (epidermal growth factor receptor; plus strand). Cytogenetic location: 7p11.2.
Variant type: single nucleotide variant.
Coding change: c.59C>T on transcript NM_005228.5 (MANE Select); coding-DNA position 59, C replaced by T.
Protein change: p.Pro20Leu; replaces proline 20 with leucine.
Molecular consequence: missense variant.
Genome position (GRCh38, 1-based): chr7:55,019,336, C>T. VCF-style: chr7-55019336-C-T. GRCh37 (hg19) VCF-style: chr7-55087029-C-T.
Other names: c.59C>T (NM_005228.3); c.59C>T, p.Pro20Leu (NM_001346897.2, NM_001346898.2, NM_001346899.2 and 4 more transcripts); short protein forms P20L.
Identifiers: ClinVar variation 1041783 (VCV001041783.11), dbSNP rs1028735720, ClinGen allele CA367611266.

ClinVar aggregate classification (germline): Conflicting classifications of pathogenicity. Review status: criteria provided, conflicting classifications (1 of 4 stars). 2 submissions from 2 submitters: Uncertain significance (1); Likely benign (1). Last evaluated 2025-11-05.

Conditions:
Hereditary cancer-predisposing syndrome. Also called: Hereditary Cancer Syndrome; Tumor predisposition; Hereditary neoplastic syndrome; Neoplastic Syndromes, Hereditary. Identifiers: Orphanet 140162, MedGen C0027672, MeSH D009386, MONDO:0015356.
EGFR-related lung cancer (EGFR). Identifiers: MedGen CN130014.

gnomAD v4.1: 1 of 1,518,732 alleles (0.000066%); highest among the groups gnomAD compares: Non-Finnish European, 0.000089%; no homozygotes.

Submissions (2):

Labcorp Genetics (formerly Invitae), Labcorp
Classification: Uncertain significance for EGFR-related lung cancer. Last evaluated: 2025-11-05. Review status: criteria provided, single submitter. Criteria: Invitae Variant Classification Sherloc (09022015). Collection method: clinical testing. Allele origin: germline.
Comment: This sequence change replaces proline, which is neutral and non-polar, with leucine, which is neutral and non-polar, at codon 20 of the EGFR protein (p.Pro20Leu). This variant is not present in population databases (gnomAD no frequency). This variant has not been reported in the literature in individuals affected with EGFR-related conditions. ClinVar contains an entry for this variant (Variation ID: 1041783). An algorithm developed to predict the effect of missense changes on protein structure and function (PolyPhen-2) suggests that this variant is likely to be tolerated. In summary, the available evidence is currently insufficient to determine the role of this variant in disease. Therefore, it has been classified as a Variant of Uncertain Significance.

Ambry Genetics
Classification: Likely benign for Hereditary cancer-predisposing syndrome. Last evaluated: 2025-01-16. Review status: criteria provided, single submitter. Criteria: Ambry Variant Classification Scheme 2023. Collection method: clinical testing. Allele origin: germline.